The following is an entry in ClinVar:

ClinVar aggregate classification (germline): Uncertain significance (1 of 4 stars; one submission).

Conditions:
Hereditary nonpolyposis colorectal neoplasms. Identifiers: MedGen C0009405, MeSH D003123.

Submission:

Labcorp Genetics (formerly Invitae), Labcorp
Classification: Uncertain significance for Hereditary nonpolyposis colorectal neoplasms. Last evaluated: 2024-02-23. Review status: criteria provided, single submitter. Criteria: Invitae Variant Classification Sherloc (09022015). Collection method: clinical testing. Allele origin: germline.
Comment: This variant, c.554_562dup, results in the insertion of 3 amino acid(s) of the MSH6 protein (p.Lys185_Lys187dup), but otherwise preserves the integrity of the reading frame. This variant is not present in population databases (gnomAD no frequency). This variant has not been reported in the literature in individuals affected with MSH6-related conditions. In summary, the available evidence is currently insufficient to determine the role of this variant in disease. Therefore, it has been classified as a Variant of Uncertain Significance.

NM_000179.3(MSH6):c.554_562dup (p.Lys187_Ile188insLysAspLys)

Gene: MSH6 (mutS homolog 6; plus strand). Cytogenetic location: 2p16.3.
Variant type: Duplication.
Coding change: c.554_562dup on transcript NM_000179.3 (MANE Select); coding-DNA positions 554 to 562, 9 bases duplicated (AAGACAAGA; older notation c.554_562dupAAGACAAGA).
Protein change: p.Lys187_Ile188insLysAspLys.
Molecular consequence: inframe insertion. On other transcripts: non-coding transcript variant (5), intron variant (8), 5 prime UTR variant (2).
Genome position (GRCh38, 1-based): chr2:47,795,990-47,795,998, AAGACAAGA duplicated; duplicating any 9 consecutive bases within chr2:47,795,989-47,795,998 gives the same sequence; the c. name uses the placement nearest the transcript's 3' end. VCF-style (leftmost placement, unchanged base first): chr2-47795988-T-TAAAGACAAG. GRCh37 (hg19) VCF-style: chr2-48023127-T-TAAAGACAAG.
Other names: c.-279-2621_-279-2613dup (NM_001406811.1, NM_001281493.2, NM_001406812.1 and 4 more transcripts); c.257_265dup, p.Lys88_Ile89insLysAspLys (NM_001406828.1, NM_001406830.1, NM_001406797.1 and 10 more transcripts); c.554_562dup, p.Lys187_Ile188insLysAspLys (NM_001407362.1, NM_001406796.1, NM_001406798.1 and 5 more transcripts); c.238-2621_238-2613dup (NM_001281492.2); c.-349_-341dup (NM_001281494.2); c.650_658dup, p.Lys219_Ile220insLysAspLys (NM_001406795.1, NM_001406802.1); c.29_37dup, p.Lys12_Ile13insLysAspLys (NM_001406799.1, NM_001406806.1, NM_001406807.1); c.476_484dup, p.Lys161_Ile162insLysAspLys (NM_001406804.1); and 3 more.
Identifiers: ClinVar variation 2696484 (VCV002696484.3), dbSNP rs2530520530, ClinGen allele CA2697548120.